The following is an entry in ClinVar:

ClinVar aggregate classification (germline): Likely benign (0 of 4 stars; one submission).

Conditions:
NLGN1-related disorder. Also called: NLGN1-related condition.

Allele frequency attached by ClinVar (database versions not stated): TOPMed below 0.00001; ExAC 0.00001; gnomAD exomes 0.00001.
gnomAD v4.1: 7 of 1,508,134 alleles (0.00046%); highest among the groups gnomAD compares: South Asian, 0.0012%; no homozygotes.

Submission:

PreventionGenetics, part of Exact Sciences
Classification: Likely benign for NLGN1-related condition. Last evaluated: 2019-03-01. Review status: no assertion criteria provided. Collection method: clinical testing. Allele origin: germline.
Comment: This variant is classified as likely benign based on ACMG/AMP sequence variant interpretation guidelines (Richards et al. 2015 PMID: 25741868, with internal and published modifications).

NM_001365925.2(NLGN1):c.1709+7A>G

Gene: NLGN1 (neuroligin 1; plus strand). Cytogenetic location: 3q26.31.
Variant type: single nucleotide variant.
Coding change: c.1709+7A>G on transcript NM_001365925.2 (MANE Select); 7 bases into the intron after coding-DNA position 1709, A replaced by G.
Molecular consequence: intron variant.
Genome position (GRCh38, 1-based): chr3:174,279,657, A>G. VCF-style: chr3-174279657-A-G. GRCh37 (hg19) VCF-style: chr3-173997447-A-G.
Other names: c.1709+7A>G (NM_001365924.2, NM_001365923.2, NM_001365926.2 and 2 more transcripts); c.1649+7A>G (NM_001365930.2, NM_001365929.2, NM_014932.5 and 3 more transcripts); c.1622+7A>G (NM_001365936.2, NM_001365935.2, NM_001365934.2).
Identifiers: ClinVar variation 3057343 (VCV003057343.2), dbSNP rs776117436, ClinGen allele CA2708767.